The following is an entry in ClinVar:

NM_001085411.3(NADK2):c.1175G>A (p.Arg392His)

Gene: NADK2 (NAD kinase 2, mitochondrial; minus strand). Cytogenetic location: 5p13.2.
Variant type: single nucleotide variant.
Coding change: c.1175G>A on transcript NM_001085411.3 (MANE Select); coding-DNA position 1175, G replaced by A.
Protein change: p.Arg392His; replaces arginine 392 with histidine.
Molecular consequence: missense variant.
Genome position (GRCh38, 1-based): chr5:36,197,556, C>T on the plus strand (G>A on the coding strand, the complement: NADK2 is on the minus strand). VCF-style: chr5-36197556-C-T. GRCh37 (hg19) VCF-style: chr5-36197658-C-T.
Other names: c.686G>A, p.Arg229His (NM_001287340.2, NM_153013.5); c.752G>A, p.Arg251His (NM_001287341.2); short protein forms R251H, R392H, R229H.
Identifiers: ClinVar variation 2722590 (VCV002722590.3), dbSNP rs772840407, ClinGen allele CA3234497.

ClinVar aggregate classification (germline): Uncertain significance (1 of 4 stars; one submission).

Conditions:
Progressive encephalopathy with leukodystrophy due to DECR deficiency. Identifiers: Orphanet 431361, MedGen C1857252, MONDO:0014464, OMIM 616034.

Allele frequency attached by ClinVar (database versions not stated): gnomAD exomes 0.00001; ExAC 0.00002.
gnomAD v4.1: 11 of 1,612,122 alleles (0.00068%); highest among the groups gnomAD compares: Non-Finnish European, 0.00085%; no homozygotes.

Submission:

Labcorp Genetics (formerly Invitae), Labcorp
Classification: Uncertain significance for Progressive encephalopathy with leukodystrophy due to DECR deficiency. Last evaluated: 2023-04-09. Review status: criteria provided, single submitter. Criteria: Invitae Variant Classification Sherloc (09022015). Collection method: clinical testing. Allele origin: germline.
Comment: In summary, the available evidence is currently insufficient to determine the role of this variant in disease. Therefore, it has been classified as a Variant of Uncertain Significance. Advanced modeling of protein sequence and biophysical properties (such as structural, functional, and spatial information, amino acid conservation, physicochemical variation, residue mobility, and thermodynamic stability) performed at Invitae indicates that this missense variant is not expected to disrupt NADK2 protein function. This variant has not been reported in the literature in individuals affected with NADK2-related conditions. The frequency data for this variant in the population databases is considered unreliable, as metrics indicate poor data quality at this position in the gnomAD database. This sequence change replaces arginine, which is basic and polar, with histidine, which is basic and polar, at codon 392 of the NADK2 protein (p.Arg392His).